The following is an entry in ClinVar:

NM_007078.3(LDB3):c.689+15T>C

Gene: LDB3 (LIM domain binding 3; plus strand). Cytogenetic location: 10q23.2.
Variant type: single nucleotide variant.
Coding change: c.689+15T>C on transcript NM_007078.3 (MANE Select); 15 bases into the intron after coding-DNA position 689, T replaced by C.
Molecular consequence: intron variant.
Genome position (GRCh38, 1-based): chr10:86,681,818, T>C. VCF-style: chr10-86681818-T-C. GRCh37 (hg19) VCF-style: chr10-88441575-T-C.
Other names: c.689+15T>C (NM_001368064.1, NM_001368063.1, NM_001171610.2 and 3 more transcripts); c.321+1661T>C (NM_001368068.1, NM_001368066.1, NM_001080114.2 and 2 more transcripts).
Identifiers: ClinVar variation 45553 (VCV000045553.13), dbSNP rs375094467, ClinGen allele CA136625.

ClinVar aggregate classification (germline): Likely benign. Review status: criteria provided, multiple submitters, no conflicts (2 of 4 stars). 3 submissions from 3 submitters: Likely benign (3). Last evaluated 2025-10-05.

Conditions:
Myofibrillar myopathy 4. Also called: Zaspopathy (type). Identifiers: Orphanet 98912, MedGen C4721886, MONDO:0012277, OMIM 609452.

Allele frequency attached by ClinVar (database versions not stated): ExAC 0.00001; gnomAD exomes 0.00003; gnomAD 0.00004 and 0.00005; TOPMed 0.00005; ESP Exome Variant Server 0.00008.
gnomAD v4.1: 62 of 1,580,376 alleles (0.0039%); highest among the groups gnomAD compares: Admixed American, 0.0055%; no homozygotes.

Submissions (3):

Labcorp Genetics (formerly Invitae), Labcorp
Classification: Likely benign for Myofibrillar myopathy 4. Last evaluated: 2025-10-05. Review status: criteria provided, single submitter. Criteria: Invitae Variant Classification Sherloc (09022015). Collection method: clinical testing. Allele origin: germline.

Blueprint Genetics
Classification: Likely benign. Last evaluated: 2024-09-24. Review status: criteria provided, single submitter. Criteria: ACMG Guidelines, 2015. Collection method: clinical testing. Allele origin: germline.

Laboratory for Molecular Medicine, Mass General Brigham Personalized Medicine
Classification: Likely benign. Last evaluated: 2012-03-19. Review status: criteria provided, single submitter. Criteria: LMM Criteria. Collection method: clinical testing. Allele origin: germline. Observed: 1 variant allele.
Comment: c.689+15T>C in Intron 04 of LDB3: This variant is not expected to have clinical significance because it is not located within the splice consensus sequence. It has been identified in 1/7014 European American chromosomes from a broad populat ion by the NHLBI Exome Sequencing Project.